The following is an entry in ClinVar:

ClinVar aggregate classification (germline): Uncertain significance (1 of 4 stars; one submission).

Conditions:
Myeloproliferative neoplasm. Identifiers: Orphanet 98274, MedGen C1292778, MONDO:0020076.

gnomAD v4.1: 1 of 1,604,014 alleles (0.000062%); highest among the groups gnomAD compares: Non-Finnish European, 0.000085%; no homozygotes.

Submission:

Dept of Medical Biology, Uskudar University
Classification: Uncertain significance for Myeloproliferative neoplasm. Last evaluated: 2026-09-16. Review status: criteria provided, single submitter. Criteria: Dept of Medical Biology Variant Classification. Collection method: research. Allele origin: unknown. Affected: yes. Observed: 2 variant alleles.
Comment: PM2_supporting: rare in gnomAD v4.1 (1 of 1,451,828 alleles). BP4: computational evidence suggests no impact (SIFT 0.39 tolerated; PolyPhen-2 0.0 benign). Detected in two patients. Classified as uncertain significance under the ACMG/AMP 2015 guidelines (PMID:25741868). Detected in a retrospective series of 256 BCR::ABL1-negative and JAK2 V617F-negative patients referred for molecular investigation of a suspected myeloproliferative neoplasm (May 2007 to January 2015) and re-interpreted under the ACMG/AMP 2015 criteria.

NM_004972.4(JAK2):c.1546G>A (p.Gly516Ser)

Genes: INSL6 (insulin like 6; minus strand), JAK2 (Janus kinase 2; plus strand). Cytogenetic location: 9p24.1.
Variant type: single nucleotide variant.
Coding change: c.1546G>A on transcript NM_004972.4 (MANE Select); coding-DNA position 1546, G replaced by A.
Protein change: p.Gly516Ser; replaces glycine 516 with serine.
Molecular consequence: missense variant. On other transcripts: non-coding transcript variant (2).
Genome position (GRCh38, 1-based): chr9:5,069,957, G>A. VCF-style: chr9-5069957-G-A. GRCh37 (hg19) VCF-style: chr9-5069957-G-A.
Other names: c.1546G>A, p.Gly516Ser (NM_001322194.2, NM_001322195.2, NM_001322196.2); c.331G>A, p.Gly111Ser (NM_001322198.2, NM_001322199.2); c.1099G>A, p.Gly367Ser (NM_001322204.2); short protein forms G111S, G367S, G516S.
Identifiers: ClinVar variation 5036689 (VCV005036689.1).
Genomic context (GRCh38, chr9:5,069,957, plus strand): 5'-GTGATATATATGTATTTTATTTTTTCAGATAAATCAAACCTTCTAGTCTTCAGAACGAAT[G>A]GTGTTTCTGATGTACCAACCTCACCAACATTACAGAGGCCTACTCATATGAACCAAATGG-3'
Protein context (NP_004963.1, residues 506-526): KSNLLVFRTN[Gly516Ser]VSDVPTSPTL